The following is an entry in ClinVar:

ClinVar aggregate classification (germline): Likely benign (1 of 4 stars; one submission).

Allele frequency attached by ClinVar (database versions not stated): 1000 Genomes Project 0.00599; 1000 Genomes Project 30x 0.00562.
gnomAD v4.1: 1,228 of 1,316,936 alleles (0.093%); highest among the groups gnomAD compares: African/African-American, 1.7%; 15 homozygotes.

Submission:

GeneDx
Classification: Likely benign. Last evaluated: 2022-01-15. Review status: criteria provided, single submitter. Criteria: GeneDx Variant Classification Process June 2021. Collection method: clinical testing. Allele origin: germline. Affected: yes.
Comment: See Variant Classification Assertion Criteria.

NM_020465.4(NDRG4):c.-24+678C>A

Gene: NDRG4 (NDRG family member 4; plus strand). Cytogenetic location: 16q21.
Variant type: single nucleotide variant.
Coding change: c.-24+678C>A on transcript NM_020465.4; 678 bases into the intron after 24 bases upstream of the start codon, C replaced by A.
Molecular consequence: intron variant.
Genome position (GRCh38, 1-based): chr16:58,464,475, C>A. VCF-style: chr16-58464475-C-A. GRCh37 (hg19) VCF-style: chr16-58498379-C-A.
Other names: c.-70+678C>A (NM_001378346.1); c.-24+678C>A (NM_001378339.1, NM_001378338.1, NM_001378342.1 and 1 more transcripts); c.37+8C>A (NM_001378332.1, NM_001378334.1, NM_001378333.1 and 3 more transcripts); c.-377+8C>A (NM_001363869.2).
Identifiers: ClinVar variation 1697107 (VCV001697107.2), dbSNP rs578200561, ClinGen allele CA8087149.